The following is an entry in ClinVar:

NM_000093.5(COL5A1):c.2647-3C>T

Gene: COL5A1 (collagen type V alpha 1 chain; plus strand). Cytogenetic location: 9q34.3.
Variant type: single nucleotide variant.
Coding change: c.2647-3C>T on transcript NM_000093.5 (MANE Select); 3 bases into the intron before coding-DNA position 2647, C replaced by T.
Molecular consequence: intron variant.
Genome position (GRCh38, 1-based): chr9:134,789,152, C>T. VCF-style: chr9-134789152-C-T. GRCh37 (hg19) VCF-style: chr9-137680998-C-T.
Other names: c.2647-3C>T (NM_001278074.1).
Identifiers: ClinVar variation 2886559 (VCV002886559.4), dbSNP rs746511717, ClinGen allele CA5319513.

ClinVar aggregate classification (germline): Uncertain significance. Review status: criteria provided, multiple submitters, no conflicts (2 of 4 stars). 2 submissions from 2 submitters: Uncertain significance (2). Last evaluated 2026-06-10.

Conditions:
Ehlers-Danlos syndrome, classic type, 1 (EDSCL1). Also called: EHLERS-DANLOS SYNDROME, GRAVIS TYPE; EHLERS-DANLOS SYNDROME, SEVERE CLASSIC TYPE; Ehlers-Danlos syndrome, type 1; EDS I; Ehlers-Danlos Syndrome, Classic Type, COL5A1-Related. Identifiers: MedGen C0268335, MONDO:0019567, OMIM 130000.

Allele frequency attached by ClinVar (database versions not stated): ExAC 0.00001; gnomAD 0.00001; gnomAD exomes 0.00001.
gnomAD v4.1: 9 of 1,612,890 alleles (0.00056%); highest among the groups gnomAD compares: Non-Finnish European, 0.00076%; no homozygotes.

Submissions (2):

Women's Health and Genetics/Laboratory Corporation of America, LabCorp
Classification: Uncertain significance. Last evaluated: 2026-06-10. Review status: criteria provided, single submitter. Criteria: LabCorp Variant Classification Summary - May 2015. Collection method: clinical testing. Allele origin: germline.
Comment: Variant summary: COL5A1 c.2647-3C>T alters a conserved nucleotide located close to a canonical splice site and therefore could affect mRNA splicing, leading to a significantly altered protein sequence. Consensus agreement among computation tools predict no significant impact on normal splicing. However, these predictions have yet to be confirmed by functional studies. The variant allele was found at a frequency of 4e-06 in 249998 control chromosomes. The available data on variant occurrences in the general population are insufficient to allow any conclusion about variant significance. To our knowledge, no occurrence of c.2647-3C>T in individuals affected with COL5A1-related conditions and no experimental evidence demonstrating its impact on protein function have been reported. ClinVar contains an entry for this variant (Variation ID: 2886559). Based on the evidence outlined above, the variant was classified as uncertain significance.

Labcorp Genetics (formerly Invitae), Labcorp
Classification: Uncertain significance for Ehlers-Danlos syndrome, classic type, 1. Last evaluated: 2023-03-15. Review status: criteria provided, single submitter. Criteria: Invitae Variant Classification Sherloc (09022015). Collection method: clinical testing. Allele origin: germline.
Comment: This sequence change falls in intron 31 of the COL5A1 gene. It does not directly change the encoded amino acid sequence of the COL5A1 protein. It affects a nucleotide within the consensus splice site. This variant is present in population databases (rs746511717, gnomAD 0.007%). This variant has not been reported in the literature in individuals affected with COL5A1-related conditions. Variants that disrupt the consensus splice site are a relatively common cause of aberrant splicing (PMID: 17576681, 9536098). Algorithms developed to predict the effect of sequence changes on RNA splicing suggest that this variant is not likely to affect RNA splicing. In summary, the available evidence is currently insufficient to determine the role of this variant in disease. Therefore, it has been classified as a Variant of Uncertain Significance.

Literature cited by the submitters: PubMed 17576681 (cited by Labcorp Genetics (formerly Invitae), Labcorp); PubMed 9536098 (cited by Labcorp Genetics (formerly Invitae), Labcorp).